The following is an entry in ClinVar:

NM_005359.6(SMAD4):c.240G>T (p.Gly80=)

Gene: SMAD4 (SMAD family member 4; plus strand). Cytogenetic location: 18q21.2.
Variant type: single nucleotide variant.
Coding change: c.240G>T on transcript NM_005359.6 (MANE Select); coding-DNA position 240, G replaced by T.
Protein change: p.Gly80=; no amino-acid change (glycine 80 retained).
Molecular consequence: synonymous variant.
Genome position (GRCh38, 1-based): chr18:51,047,286, G>T. VCF-style: chr18-51047286-G-T. GRCh37 (hg19) VCF-style: chr18-48573656-G-T.
Other names: c.240G>T (NM_005359.5).
Identifiers: ClinVar variation 1004025 (VCV001004025.9), dbSNP rs1909572382, ClinGen allele CA503873515.

ClinVar aggregate classification (germline): Uncertain significance. Review status: criteria provided, multiple submitters, no conflicts (2 of 4 stars). 2 submissions from 2 submitters: Uncertain significance (2). Last evaluated 2021-01-29.

Conditions:
Hereditary cancer-predisposing syndrome. Also called: Hereditary neoplastic syndrome; Neoplastic Syndromes, Hereditary; Tumor predisposition; Hereditary Cancer Syndrome. Identifiers: Orphanet 140162, MedGen C0027672, MeSH D009386, MONDO:0015356.
Familial thoracic aortic aneurysm and aortic dissection (TAAD). Also called: Thoracic aortic aneurysms and dissections. Identifiers: Orphanet 91387, MedGen C4707243, MONDO:0019625.
Juvenile polyposis syndrome (JPS). Identifiers: Orphanet 2929, MedGen C0345893, MONDO:0017380, OMIM 174900.

Submissions (2):

Ambry Genetics
Classification: Uncertain significance for Hereditary cancer-predisposing syndrome; Familial thoracic aortic aneurysm and aortic dissection. Last evaluated: 2021-01-29. Review status: criteria provided, single submitter. Criteria: Ambry Variant Classification Scheme 2023. Collection method: clinical testing. Allele origin: germline.
Comment: The c.240G>T (p.G80G) alteration is located in exon 2 (coding exon 1) of the SMAD4 gene. This alteration consists of a G to T substitution at nucleotide position 240. This nucleotide substitution does not change the amino acid at codon 80. However, this change occurs in the last nucleotide of Exon 2 (c.-127_249) which makes it likely to have some effect on normal mRNA splicing. Based on insufficient or conflicting evidence, the clinical significance of this alteration remains unclear.

Labcorp Genetics (formerly Invitae), Labcorp
Classification: Uncertain significance for Juvenile polyposis syndrome. Last evaluated: 2020-03-22. Review status: criteria provided, single submitter. Criteria: Invitae Variant Classification Sherloc (09022015). Collection method: clinical testing. Allele origin: germline.
Comment: This variant is not present in population databases (ExAC no frequency). This sequence change affects codon 80 of the SMAD4 mRNA. It is a 'silent' change, meaning that it does not change the encoded amino acid sequence of the SMAD4 protein. This variant has not been reported in the literature in individuals with SMAD4-related conditions. In summary, the available evidence is currently insufficient to determine the role of this variant in disease. Therefore, it has been classified as a Variant of Uncertain Significance. Algorithms developed to predict the effect of sequence changes on RNA splicing suggest that this variant may create or strengthen a splice site, but this prediction has not been confirmed by published transcriptional studies.